The following is an entry in ClinVar:

NM_001372.4(DNAH9):c.3705G>A (p.Gln1235=)

Gene: DNAH9 (dynein axonemal heavy chain 9; plus strand). Cytogenetic location: 17p12.
Variant type: single nucleotide variant.
Coding change: c.3705G>A on transcript NM_001372.4 (MANE Select); coding-DNA position 3705, G replaced by A.
Protein change: p.Gln1235=; no amino-acid change (glutamine 1235 retained).
Molecular consequence: synonymous variant.
Genome position (GRCh38, 1-based): chr17:11,680,851, G>A. VCF-style: chr17-11680851-G-A. GRCh37 (hg19) VCF-style: chr17-11584168-G-A.
Other names: c.3705G>A (NM_001372.3).
Identifiers: ClinVar variation 1545191 (VCV001545191.10), dbSNP rs188044200, ClinGen allele CA8395515.

ClinVar aggregate classification (germline): Benign/Likely benign. Review status: criteria provided, multiple submitters, no conflicts (2 of 4 stars). 3 submissions from 3 submitters: Benign (1); Likely benign (2). Last evaluated 2026-06-28.

Conditions:
DNAH9-related disorder. Also called: DNAH9-related condition.

Allele frequency attached by ClinVar (database versions not stated): ESP Exome Variant Server 0.00008; gnomAD 0.00009 and 0.00017; TOPMed 0.00009; gnomAD exomes 0.00012 and 0.00032; 1000 Genomes Project 30x 0.00031; 1000 Genomes Project 0.00040; ExAC 0.00040.
gnomAD v4.1: 232 of 1,613,288 alleles (0.014%); highest among the groups gnomAD compares: South Asian, 0.17%; 2 homozygotes.

Submissions (3):

PreventionGenetics, part of Exact Sciences
Classification: Likely benign for DNAH9-related condition. Last evaluated: 2026-06-28. Review status: criteria provided, single submitter. Criteria: ACMG Guidelines, 2015. Collection method: clinical testing. Allele origin: germline.
Comment: This variant is classified as likely benign based on ACMG/AMP sequence variant interpretation guidelines (Richards et al. 2015 PMID: 25741868, with internal and published modifications).

Labcorp Genetics (formerly Invitae), Labcorp
Classification: Benign. Last evaluated: 2025-11-06. Review status: criteria provided, single submitter. Criteria: Invitae Variant Classification Sherloc (09022015). Collection method: clinical testing. Allele origin: germline.

Blueprint Genetics
Classification: Likely benign. Last evaluated: 2024-10-14. Review status: criteria provided, single submitter. Criteria: ACMG Guidelines, 2015. Collection method: clinical testing. Allele origin: germline.